The following is an entry in ClinVar:

NM_024408.4(NOTCH2):c.5769A>G (p.Gln1923=)

Gene: NOTCH2 (notch receptor 2; minus strand). Cytogenetic location: 1p12.
Variant type: single nucleotide variant.
Coding change: c.5769A>G on transcript NM_024408.4 (MANE Select); coding-DNA position 5769, A replaced by G.
Protein change: p.Gln1923=; no amino-acid change (glutamine 1923 retained).
Molecular consequence: synonymous variant.
Genome position (GRCh38, 1-based): chr1:119,919,324, T>C on the plus strand (A>G on the coding strand, the complement: NOTCH2 is on the minus strand). VCF-style: chr1-119919324-T-C. GRCh37 (hg19) VCF-style: chr1-120461947-T-C.
Identifiers: ClinVar variation 4997435 (VCV004997435.1).
Genomic context (GRCh38, chr1:119,919,324, plus strand): 5'-TAGAGCCATAGGAATTATTATTCAAGTGACTCTTCTCATGTTCTTTACCTGGAAGACACC[T>C]TGGGCATCAGCTGCCACTGCAGCATGGAGTGGACAGCGGCCCATGTTGTCCTGGGCATTG-3'
Protein context (NP_077719.2, residues 1913-1933): PLHAAVAADA[Gln1923=]GVFQILIRNR

ClinVar aggregate classification (germline): Likely benign (1 of 4 stars; one submission).

Conditions:
NOTCH2-related disorder. Also called: NOTCH2-related condition.

Submission:

PreventionGenetics, part of Exact Sciences
Classification: Likely benign for NOTCH2-related condition. Last evaluated: 2026-06-06. Review status: criteria provided, single submitter. Criteria: ACMG Guidelines, 2015. Collection method: clinical testing. Allele origin: germline.
Comment: This variant is classified as likely benign based on ACMG/AMP sequence variant interpretation guidelines (Richards et al. 2015 PMID: 25741868, with internal and published modifications).